The following is an entry in ClinVar:

NM_133510.4(RAD51B):c.357A>G (p.Ile119Met)

Gene: RAD51B (RAD51 paralog B; plus strand). Cytogenetic location: 14q24.1.
Variant type: single nucleotide variant.
Coding change: c.357A>G on transcript NM_133510.4 (MANE Select); coding-DNA position 357, A replaced by G.
Protein change: p.Ile119Met; replaces isoleucine 119 with methionine.
Molecular consequence: missense variant. On other transcripts: 5 prime UTR variant (1).
Genome position (GRCh38, 1-based): chr14:67,865,044, A>G. VCF-style: chr14-67865044-A-G. GRCh37 (hg19) VCF-style: chr14-68331761-A-G.
Other names: c.357A>G, p.Ile119Met (NM_001321809.2, NM_001321810.2, NM_001321812.1 and 6 more transcripts); c.243A>G, p.Ile81Met (NM_001321815.1); c.-1A>G (NM_001321817.2); short protein forms I81M, I119M.
Identifiers: ClinVar variation 3942301 (VCV003942301.1).
Genomic context (GRCh38, chr14:67,865,044, plus strand): 5'-TTTTTTTTTTTTTTTTTAGATTACAGGTCCACCAGGTTGTGGAAAAACTCAGTTTTGTAT[A>G]ATGATGAGCATTTTGGCTACATTACCCACCAACATGGGAGGATTAGAAGGAGCTGTGGTG-3'
Protein context (NP_598194.1, residues 109-129): PPGCGKTQFC[Ile119Met]MMSILATLPT

ClinVar aggregate classification (germline): Uncertain significance (1 of 4 stars; one submission).

Submission:

Ambry Genetics
Classification: Uncertain significance. Last evaluated: 2025-04-18. Review status: criteria provided, single submitter. Criteria: Ambry Variant Classification Scheme 2023. Collection method: clinical testing. Allele origin: germline.
Comment: The p.I119M variant (also known as c.357A>G), located in coding exon 4 of the RAD51B gene, results from an A to G substitution at nucleotide position 357. The isoleucine at codon 119 is replaced by methionine, an amino acid with highly similar properties. This amino acid position is conserved. In addition, this alteration is predicted to be tolerated by in silico analysis. Based on the available evidence, the clinical significance of this variant remains unclear.